The following is an entry in ClinVar:

ClinVar aggregate classification (germline): Uncertain significance (1 of 4 stars; one submission).

Conditions:
Dilated cardiomyopathy 1JJ (CMD1JJ). Identifiers: Orphanet 154, MedGen C3808935, MONDO:0014095, OMIM 615235.

Submission:

Labcorp Genetics (formerly Invitae), Labcorp
Classification: Uncertain significance for Dilated cardiomyopathy 1JJ. Last evaluated: 2023-05-05. Review status: criteria provided, single submitter. Criteria: Invitae Variant Classification Sherloc (09022015). Collection method: clinical testing. Allele origin: germline.
Comment: An algorithm developed to predict the effect of missense changes on protein structure and function (PolyPhen-2) suggests that this variant is likely to be tolerated. This variant has not been reported in the literature in individuals affected with LAMA4-related conditions. This variant is not present in population databases (gnomAD no frequency). This sequence change replaces threonine, which is neutral and polar, with arginine, which is basic and polar, at codon 1646 of the LAMA4 protein (p.Thr1646Arg). In summary, the available evidence is currently insufficient to determine the role of this variant in disease. Therefore, it has been classified as a Variant of Uncertain Significance.

NM_001105206.3(LAMA4):c.4958C>G (p.Thr1653Arg)

Gene: LAMA4 (laminin subunit alpha 4; minus strand). Cytogenetic location: 6q21.
Variant type: single nucleotide variant.
Coding change: c.4958C>G on transcript NM_001105206.3 (MANE Select); coding-DNA position 4958, C replaced by G.
Protein change: p.Thr1653Arg; replaces threonine 1653 with arginine.
Molecular consequence: missense variant.
Genome position (GRCh38, 1-based): chr6:112,117,762, G>C on the plus strand (C>G on the coding strand, the complement: LAMA4 is on the minus strand). VCF-style: chr6-112117762-G-C. GRCh37 (hg19) VCF-style: chr6-112438965-G-C.
Other names: c.4937C>G, p.Thr1646Arg (NM_001105207.3, NM_002290.5); short protein forms T1653R, T1646R.
Identifiers: ClinVar variation 2862209 (VCV002862209.3), dbSNP rs782386897, ClinGen allele CA365366172.